The following is an entry in ClinVar:

ClinVar aggregate classification (germline): Uncertain significance (1 of 4 stars; one submission).

Submission:

Ambry Genetics
Classification: Uncertain significance. Last evaluated: 2023-01-03. Review status: criteria provided, single submitter. Criteria: Ambry Variant Classification Scheme 2023. Collection method: clinical testing. Allele origin: germline.
Comment: The p.P702L variant (also known as c.2105C>T), located in coding exon 13 of the NPAT gene, results from a C to T substitution at nucleotide position 2105. The proline at codon 702 is replaced by leucine, an amino acid with similar properties. This amino acid position is conserved. In addition, this alteration is predicted to be tolerated by in silico analysis. Since supporting evidence is limited at this time, the clinical significance of this alteration remains unclear.

NM_002519.3(NPAT):c.2105C>T (p.Pro702Leu)

Gene: NPAT (nuclear protein, coactivator of histone transcription; minus strand). Cytogenetic location: 11q22.3.
Variant type: single nucleotide variant.
Coding change: c.2105C>T on transcript NM_002519.3 (MANE Select); coding-DNA position 2105, C replaced by T.
Protein change: p.Pro702Leu; replaces proline 702 with leucine.
Molecular consequence: missense variant.
Genome position (GRCh38, 1-based): chr11:108,172,879, G>A on the plus strand (C>T on the coding strand, the complement: NPAT is on the minus strand). VCF-style: chr11-108172879-G-A. GRCh37 (hg19) VCF-style: chr11-108043606-G-A.
Other names: c.2105C>T, p.Pro702Leu (NM_001321307.1); short protein forms P702L.
Identifiers: ClinVar variation 2496698 (VCV002496698.2), dbSNP rs2077966995, ClinGen allele CA382513677.